The following is an entry in ClinVar:

NM_000334.4(SCN4A):c.1015G>A (p.Asp339Asn)

Gene: SCN4A (sodium voltage-gated channel alpha subunit 4; minus strand). Cytogenetic location: 17q23.3.
Variant type: single nucleotide variant.
Coding change: c.1015G>A on transcript NM_000334.4 (MANE Select); coding-DNA position 1015, G replaced by A.
Protein change: p.Asp339Asn; replaces aspartic acid 339 with asparagine.
Molecular consequence: missense variant.
Genome position (GRCh38, 1-based): chr17:63,968,044, C>T on the plus strand (G>A on the coding strand, the complement: SCN4A is on the minus strand). VCF-style: chr17-63968044-C-T. GRCh37 (hg19) VCF-style: chr17-62045404-C-T.
Other names: short protein forms D339N.
Identifiers: ClinVar variation 1367032 (VCV001367032.6), dbSNP rs760680437, ClinGen allele CA8709975.

ClinVar aggregate classification (germline): Uncertain significance (1 of 4 stars; one submission).

Conditions:
Hyperkalemic periodic paralysis. Also called: Familial hyperkalemic periodic paralysis; Gamstorp disease. Identifiers: Orphanet 682, MedGen C0238357, MONDO:0008224, OMIM 170500, HP:0007215.

Allele frequency attached by ClinVar (database versions not stated): ExAC 0.00001; gnomAD exomes below 0.00001.
gnomAD v4.1: 4 of 1,613,980 alleles (0.00025%); highest among the groups gnomAD compares: South Asian, 0.0011%; no homozygotes.

Submission:

Labcorp Genetics (formerly Invitae), Labcorp
Classification: Uncertain significance for Hyperkalemic periodic paralysis. Last evaluated: 2025-08-28. Review status: criteria provided, single submitter. Criteria: Invitae Variant Classification Sherloc (09022015). Collection method: clinical testing. Allele origin: germline.
Comment: This sequence change replaces aspartic acid, which is acidic and polar, with asparagine, which is neutral and polar, at codon 339 of the SCN4A protein (p.Asp339Asn). This variant is present in population databases (rs760680437, gnomAD 0.003%). This variant has not been reported in the literature in individuals affected with SCN4A-related conditions. ClinVar contains an entry for this variant (Variation ID: 1367032). Invitae Evidence Modeling of protein sequence and biophysical properties (such as structural, functional, and spatial information, amino acid conservation, physicochemical variation, residue mobility, and thermodynamic stability) indicates that this missense variant is not expected to disrupt SCN4A protein function with a negative predictive value of 95%. In summary, the available evidence is currently insufficient to determine the role of this variant in disease. Therefore, it has been classified as a Variant of Uncertain Significance.